The following is an entry in ClinVar:

NM_152564.5(VPS13B):c.1768G>A (p.Ala590Thr)

Gene: VPS13B (vacuolar protein sorting 13 homolog B; plus strand). Cytogenetic location: 8q22.2.
Variant type: single nucleotide variant.
Coding change: c.1768G>A on transcript NM_152564.5 (MANE Select); coding-DNA position 1768, G replaced by A.
Protein change: p.Ala590Thr; replaces alanine 590 with threonine.
Molecular consequence: missense variant.
Genome position (GRCh38, 1-based): chr8:99,143,090, G>A. VCF-style: chr8-99143090-G-A. GRCh37 (hg19) VCF-style: chr8-100155318-G-A.
Other names: p.Ala590Thr; c.1768G>A, p.Ala590Thr (NM_015243.3, NM_017890.5); short protein forms A590T.
Identifiers: ClinVar variation 194256 (VCV000194256.74), dbSNP rs140601319, ClinGen allele CA206736.
Genomic context (GRCh38, chr8:99,143,090, plus strand): 5'-CAGGAGAAGTCCACCAAAAGCCTTGTTATAGGTCCTCTTGATTTTCGTTTGGATAGCAGT[G>A]CGGTGCATAGGATTTTGAAAATGATTGTGTGTGCCTTGGAACATGAATATGAACCATATA-3'
Protein context (NP_689777.3, residues 580-600): GPLDFRLDSS[Ala590Thr]VHRILKMIVC

ClinVar aggregate classification (germline): Conflicting classifications of pathogenicity. Review status: criteria provided, conflicting classifications (1 of 4 stars). 19 submissions from 19 submitters: Uncertain significance (9); Benign (1); Likely benign (5). 4 of the submissions do not count toward it. Last evaluated 2026-07-01.

Conditions:
VPS13B-related disorder. Also called: VPS13B-related condition.
Inborn genetic diseases. Identifiers: MedGen C0950123, MeSH D030342.
Cohen syndrome (COH1). Also called: Cutis verticis gyrata, retinitis pigmentosa, and sensorineural deafness; PEPPER SYNDROME. Identifiers: Orphanet 193, MedGen C0265223, MONDO:0008999, OMIM 216550.
Intellectual disability. Also called: Intellectual developmental disorder; Intellectual functioning disability; intellectual disabilities. Identifiers: MedGen C3714756, MeSH D008607, MONDO:0001071, HP:0001249.

Allele frequency attached by ClinVar (database versions not stated): TOPMed 0.00060; gnomAD 0.00068 and 0.00070; gnomAD exomes 0.00084 and 0.00089; ExAC 0.00100; ESP Exome Variant Server 0.00108; 1000 Genomes Project 30x 0.00156; 1000 Genomes Project 0.00180.
gnomAD v4.1: 1,404 of 1,614,026 alleles (0.087%); highest among the groups gnomAD compares: Middle Eastern, 0.25%; 2 homozygotes.

Submissions (19):

CeGaT Center for Human Genetics Tuebingen
Classification: Likely benign. Last evaluated: 2026-07-01. Review status: criteria provided, single submitter. Criteria: CeGaT Center For Human Genetics Tuebingen Variant Classification Criteria Version 2. Collection method: clinical testing. Allele origin: germline. Affected: yes. Observed: 11 variant alleles.
Comment: VPS13B: BP4, BS2

PreventionGenetics, part of Exact Sciences
Classification: Uncertain significance for VPS13B-related condition. Last evaluated: 2026-06-20. Review status: criteria provided, single submitter. Criteria: ACMG Guidelines, 2015. Collection method: clinical testing. Allele origin: germline.
Comment: The VPS13B c.1768G>A variant is predicted to result in the amino acid substitution p.Ala590Thr. This variant was reported in the heterozygous state in an individual with clinical features of Cohen syndrome (Katzaki et al. 2007. PubMed ID: 17990063). Importantly, a second potentially pathogenic allele was not detected in this individual. This variant was also described as a variant of uncertain significance in a cohort of individuals with Cohen syndrome; however, in vitro functional data indicated that this variant may behave similarly to wild type in regards to localization (Zorn et al. 2022. PubMed ID: 35690661). This variant is reported in 0.14% of alleles in individuals of European (Non-Finnish) descent and found in two homozygotes in gnomAD. This frequency is higher than expected for a pathogenic variant. Although we suspect this variant may be benign, at this time its clinical significance is uncertain.

Labcorp Genetics (formerly Invitae), Labcorp
Classification: Benign for Cohen syndrome. Last evaluated: 2026-01-26. Review status: criteria provided, single submitter. Criteria: Invitae Variant Classification Sherloc (09022015). Collection method: clinical testing. Allele origin: germline.

Mayo Clinic Laboratories, Mayo Clinic
Classification: Likely benign. Last evaluated: 2025-04-05. Review status: criteria provided, single submitter. Criteria: ACMG Guidelines, 2015. Collection method: clinical testing. Allele origin: germline. Observed: 2 variant alleles.
Comment: BS2, BS3_supporting, BP1

Blueprint Genetics
Classification: Likely benign. Last evaluated: 2024-11-07. Review status: criteria provided, single submitter. Criteria: ACMG Guidelines, 2015. Collection method: clinical testing. Allele origin: germline.

New York Genome Center
Classification: Uncertain significance for Cohen syndrome. Last evaluated: 2021-06-23. Review status: criteria provided, single submitter. Criteria: NYGC Assertion Criteria 2020. Collection method: clinical testing. Allele origin: germline. Observed: 1 heterozygote.

Genome-Nilou Lab
Classification: Uncertain significance for Cohen syndrome. Last evaluated: 2021-05-18. Review status: criteria provided, single submitter. Criteria: ACMG Guidelines, 2015. Collection method: clinical testing. Allele origin: germline. Affected: no.

GeneDx
Classification: Likely benign. Last evaluated: 2020-12-16. Review status: criteria provided, single submitter. Criteria: GeneDx Variant Classification Process June 2021. Collection method: clinical testing. Allele origin: germline. Affected: yes.
Comment: This variant is associated with the following publications: (PMID: 17990063, 19006247)

Institute for Clinical Genetics, University Hospital TU Dresden, University Hospital TU Dresden
Classification: Uncertain significance. Last evaluated: 2020-09-28. Review status: criteria provided, single submitter. Criteria: ACMG Guidelines, 2015. Collection method: clinical testing. Allele origin: maternal.

Ambry Genetics
Classification: Uncertain significance for Inborn genetic diseases. Last evaluated: 2019-03-12. Review status: criteria provided, single submitter. Criteria: Ambry Variant Classification Scheme 2023. Collection method: clinical testing. Allele origin: germline.
Comment: The p.A590T variant (also known as c.1768G>A), located in coding exon 12 of the VPS13B gene, results from a G to A substitution at nucleotide position 1768. The alanine at codon 590 is replaced by threonine, an amino acid with similar properties. This amino acid position is highly conserved in available vertebrate species. In addition, the in silico prediction for this alteration is inconclusive. Since supporting evidence is limited at this time, the clinical significance of this alteration remains unclear.

Athena Diagnostics
Classification: Uncertain significance. Last evaluated: 2017-09-27. Review status: criteria provided, single submitter. Criteria: Athena Diagnostics Criteria. Collection method: clinical testing. Allele origin: germline.

Fulgent Genetics
Classification: Uncertain significance for Cohen syndrome. Last evaluated: 2017-05-23. Review status: criteria provided, single submitter. Criteria: ACMG Guidelines, 2015. Collection method: clinical testing. Allele origin: unknown.

Illumina Laboratory Services, Illumina
Classification: Likely benign for Cohen syndrome. Last evaluated: 2017-04-27. Review status: criteria provided, single submitter. Criteria: ICSL Variant Classification Criteria 13 December 2019. Collection method: clinical testing. Allele origin: germline.
Comment: This variant was observed as part of a predisposition screen in an ostensibly healthy population. A literature search was performed for the gene, cDNA change, and amino acid change (where applicable). Publications were found based on this search. The evidence from the literature, in combination with allele frequency data from public databases where available, was sufficient to determine this variant is unlikely to cause disease. Therefore, this variant is classified as likely benign.

Genetic Services Laboratory, University of Chicago
Classification: Uncertain significance. Last evaluated: 2015-04-21. Review status: criteria provided, single submitter. Criteria: ACMG Guidelines, 2015. Collection method: clinical testing. Allele origin: germline.

Eurofins Ntd Llc (ga)
Classification: Uncertain significance. Last evaluated: 2014-10-17. Review status: criteria provided, single submitter. Criteria: EGL Classification Definitions 2015. Collection method: clinical testing. Allele origin: germline. Observed: 1 variant allele, 1 heterozygote.

Natera, Inc.
Classification: Benign for Cohen syndrome. Last evaluated: 2020-01-06. Review status: no assertion criteria provided. Collection method: clinical testing. Allele origin: germline. Not counted in ClinVar's aggregate classification.

Centre de Biologie Pathologie Génétique, Centre Hospitalier Universitaire de Lille
Classification: Uncertain significance for Intellectual disability. Last evaluated: 2019-01-01. Review status: no assertion criteria provided. Collection method: clinical testing. Allele origin: unknown. Affected: yes. Not counted in ClinVar's aggregate classification.

Clinical Genetics DNA and cytogenetics Diagnostics Lab, Erasmus MC, Erasmus Medical Center
Classification: Likely benign. Review status: no assertion criteria provided. Collection method: clinical testing. Allele origin: germline. Affected: yes. Study: VKGL Data-share Consensus. Not counted in ClinVar's aggregate classification.

Clinical Genetics, Academic Medical Center
Classification: Likely benign. Review status: no assertion criteria provided. Collection method: clinical testing. Allele origin: germline. Affected: yes. Study: VKGL Data-share Consensus. Not counted in ClinVar's aggregate classification.

Literature cited by the submitters: PubMed 17990063 (cited by 4 submitters); PubMed 35690661 (cited by Mayo Clinic Laboratories, Mayo Clinic).